The following is an entry in ClinVar:

NM_001199397.3(NEK1):c.2282_2283del (p.Leu760_Ser761insTer)

Gene: NEK1 (NIMA related kinase 1; minus strand). Cytogenetic location: 4q33.
Variant type: Microsatellite.
Coding change: c.2282_2283del on transcript NM_001199397.3 (MANE Select); coding-DNA positions 2282 to 2283, 2 bases deleted (CT; older notation c.2282_2283delCT).
Protein change: p.Leu760_Ser761insTer.
Molecular consequence: nonsense. On other transcripts: non-coding transcript variant (1).
Genome position (GRCh38, 1-based): chr4:169,477,275-169,477,276, AG deleted on the plus strand (CT on the coding strand, the reverse complement: NEK1 is on the minus strand); deleting any 2 consecutive bases within chr4:169,477,275-169,477,281 gives the same sequence; the c. name uses the placement nearest the transcript's 3' end. VCF-style (leftmost placement, unchanged base first): chr4-169477274-CAG-C. GRCh37 (hg19) VCF-style: chr4-170398425-CAG-C.
Other names: c.2150_2151del, p.Leu716_Ser717insTer (NM_001199398.3); c.1991_1992del, p.Leu663_Ser664insTer (NM_001199399.3); c.2066_2067del, p.Leu688_Ser689insTer (NM_001199400.3); c.2282_2283del, p.Leu760_Ser761insTer (NM_001374418.1); c.2198_2199del, p.Leu732_Ser733insTer (NM_001374419.1, NM_012224.4); c.2147_2148del, p.Leu715_Ser716insTer (NM_001374420.1); c.1976_1977del, p.Leu658_Ser659insTer (NM_001374421.1).
Identifiers: ClinVar variation 348106 (VCV000348106.6), dbSNP rs750159428, ClinGen allele CA10618269.
Genomic context (GRCh38, chr4:169,477,274, plus strand): 5'-AAACTGATTTTTCTTTTTCATGCTCTTTGGCATCTTCATGAACATTTATCTCAAAAGTAT[CAG>C]AGAGATTCTGCTTTCCTTTTTCATCTTCTTGAGCTTTAAGATTTTCATTTAATCTACGAA-3'

ClinVar aggregate classification (germline): Likely pathogenic (1 of 4 stars; one submission).

Conditions:
Amyotrophic lateral sclerosis, susceptibility to, 24. Identifiers: MedGen C4693523, MONDO:0054750, OMIM 617892.

Submission:

Center for Human Genetics and Genomic Medicine, Uniklinik Rwth Aachen
Classification: Likely pathogenic for Amyotrophic lateral sclerosis, susceptibility to, 24. Last evaluated: 2023-11-28. Review status: criteria provided, single submitter. Criteria: ACMG Guidelines, 2015. Collection method: clinical testing. Allele origin: unknown. Inheritance: Autosomal dominant inheritance. Affected: yes. Observed: 1 heterozygote.
Comment: The variant is absent from healthy controls (gnomAD v2.1.1) and has been reported in a patient with ALS (Van Daele 2023). LOF is a known mechanism of NEK1-related disease, however, a reduced penetrance is reported. Therefore, this variant has been classified as likely pathogenic variant.

Literature cited by the submitters: PubMed 37043475.